The following is an entry in ClinVar:

ClinVar aggregate classification (germline): Benign/Likely benign. Review status: criteria provided, multiple submitters, no conflicts (2 of 4 stars). 5 submissions from 5 submitters: Benign (1); Likely benign (3). 1 of the submissions does not count toward it. Last evaluated 2025-12-29.

Conditions:
Cone dystrophy with supernormal rod response (CDSRR). Also called: CONE DYSTROPHY WITH SUPERNORMAL ROD RESPONSES. Identifiers: Orphanet 209932, MedGen C1835897, MONDO:0012475, OMIM 610356.
KCNV2-related disorder. Also called: KCNV2-related condition.

Allele frequency attached by ClinVar (database versions not stated): gnomAD exomes 0.00024 and 0.00063; ExAC 0.00073; 1000 Genomes Project 30x 0.00156; 1000 Genomes Project 0.00160; gnomAD 0.00210 and 0.00225; ESP Exome Variant Server 0.00231; TOPMed 0.00258.
gnomAD v4.1: 693 of 1,612,606 alleles (0.043%); highest among the groups gnomAD compares: African/African-American, 0.78%; 1 homozygote.

Submissions (5):

Labcorp Genetics (formerly Invitae), Labcorp
Classification: Benign. Last evaluated: 2025-12-29. Review status: criteria provided, single submitter. Criteria: Invitae Variant Classification Sherloc (09022015). Collection method: clinical testing. Allele origin: germline.

Blueprint Genetics
Classification: Likely benign. Last evaluated: 2024-07-18. Review status: criteria provided, single submitter. Criteria: ACMG Guidelines, 2015. Collection method: clinical testing. Allele origin: germline.

Illumina Laboratory Services, Illumina
Classification: Likely benign for Cone dystrophy with supernormal rod response. Last evaluated: 2018-01-12. Review status: criteria provided, single submitter. Criteria: ICSL Variant Classification Criteria 13 December 2019. Collection method: clinical testing. Allele origin: germline.
Comment: This variant was observed in the ICSL laboratory as part of a predisposition screen in an ostensibly healthy population. It had not been previously curated by ICSL or reported in the Human Gene Mutation Database (HGMD: prior to June 1st, 2018), and was therefore a candidate for classification through an automated scoring system. Utilizing variant allele frequency, disease prevalence and penetrance estimates, and inheritance mode, an automated score was calculated to assess if this variant is too frequent to cause the disease. Based on the score and internal cut-off values, a variant classified as likely benign is not then subjected to further curation. The score for this variant resulted in a classification of likely benign for this disease.

Breakthrough Genomics
Classification: Likely benign. Review status: criteria provided, single submitter. Criteria: ACMG Guidelines, 2015. Collection method: not provided. Allele origin: germline. Inheritance: Autosomal recessive inheritance. Affected: yes.

PreventionGenetics, part of Exact Sciences
Classification: Benign for KCNV2-related condition. Last evaluated: 2019-05-15. Review status: no assertion criteria provided. Collection method: clinical testing. Allele origin: germline. Not counted in ClinVar's aggregate classification.
Comment: This variant is classified as benign based on ACMG/AMP sequence variant interpretation guidelines (Richards et al. 2015 PMID: 25741868, with internal and published modifications).

NM_133497.4(KCNV2):c.1308G>A (p.Val436=)

Gene: KCNV2 (potassium voltage-gated channel modifier subfamily V member 2; plus strand). Cytogenetic location: 9p24.2.
Variant type: single nucleotide variant.
Coding change: c.1308G>A on transcript NM_133497.4 (MANE Select); coding-DNA position 1308, G replaced by A.
Protein change: p.Val436=; no amino-acid change (valine 436 retained).
Molecular consequence: synonymous variant.
Genome position (GRCh38, 1-based): chr9:2,719,047, G>A. VCF-style: chr9-2719047-G-A. GRCh37 (hg19) VCF-style: chr9-2719047-G-A.
Identifiers: ClinVar variation 913137 (VCV000913137.16), dbSNP rs139581747, ClinGen allele CA4965853.